The following is an entry in ClinVar:

NM_001244008.2(KIF1A):c.4807C>T (p.Leu1603Phe)

Gene: KIF1A (kinesin family member 1A; minus strand). Cytogenetic location: 2q37.3.
Variant type: single nucleotide variant.
Coding change: c.4807C>T on transcript NM_001244008.2 (MANE Select); coding-DNA position 4807, C replaced by T.
Protein change: p.Leu1603Phe; replaces leucine 1603 with phenylalanine.
Molecular consequence: missense variant.
Genome position (GRCh38, 1-based): chr2:240,720,975, G>A on the plus strand (C>T on the coding strand, the complement: KIF1A is on the minus strand). VCF-style: chr2-240720975-G-A. GRCh37 (hg19) VCF-style: chr2-241660392-G-A.
Other names: c.4531C>T, p.Leu1511Phe (NM_001320705.2, NM_001379649.1); c.4558C>T, p.Leu1520Phe (NM_001330289.2); c.4606C>T, p.Leu1536Phe (NM_001330290.2, NM_001379648.1); c.4882C>T, p.Leu1628Phe (NM_001379631.1); c.4783C>T, p.Leu1595Phe (NM_001379632.1); c.4780C>T, p.Leu1594Phe (NM_001379633.1, NM_001379645.1); c.4633C>T, p.Leu1545Phe (NM_001379634.1); c.4630C>T, p.Leu1544Phe (NM_001379635.1, NM_001379646.1); and 7 more; short protein forms L1594F, L1628F, L1502F, L1540F, L1544F, L1511F, L1527F, L1545F.
Identifiers: ClinVar variation 2946578 (VCV002946578.3), dbSNP rs2536655539, ClinGen allele CA351301768.

ClinVar aggregate classification (germline): Uncertain significance (1 of 4 stars; one submission).

Conditions:
Neuropathy, hereditary sensory, type 2C. Also called: KIF1A-Related HSAN2 (HSAN2C); Hereditary sensory and autonomic neuropathy type IIC. Identifiers: Orphanet 970, MedGen C3280168, MONDO:0013634, OMIM 614213.
Hereditary spastic paraplegia 30. Identifiers: Orphanet 101010, MedGen C5235139, MONDO:0012476.
Intellectual disability, autosomal dominant 9 (NESCAVS). Also called: NESCAV SYNDROME; KIF1A-Related Neurodevelopmental Disorder. Identifiers: Orphanet 662367, MedGen C5393830, MONDO:0013656, OMIM 614255.

gnomAD v4.1: 1 of 1,607,092 alleles (0.000062%); highest among the groups gnomAD compares: Non-Finnish European, 0.000085%; no homozygotes.

Submission:

Labcorp Genetics (formerly Invitae), Labcorp
Classification: Uncertain significance for Hereditary spastic paraplegia 30; Neuropathy, hereditary sensory, type 2C; Intellectual disability, autosomal dominant 9. Last evaluated: 2024-01-22. Review status: criteria provided, single submitter. Criteria: Invitae Variant Classification Sherloc (09022015). Collection method: clinical testing. Allele origin: germline.
Comment: This sequence change replaces leucine, which is neutral and non-polar, with phenylalanine, which is neutral and non-polar, at codon 1502 of the KIF1A protein (p.Leu1502Phe). This variant is not present in population databases (gnomAD no frequency). This variant has not been reported in the literature in individuals affected with KIF1A-related conditions. Advanced modeling of protein sequence and biophysical properties (such as structural, functional, and spatial information, amino acid conservation, physicochemical variation, residue mobility, and thermodynamic stability) performed at Invitae indicates that this missense variant is not expected to disrupt KIF1A protein function with a negative predictive value of 95%. In summary, the available evidence is currently insufficient to determine the role of this variant in disease. Therefore, it has been classified as a Variant of Uncertain Significance.